The following is an entry in ClinVar:

NM_006017.3(PROM1):c.1876A>G (p.Ile626Val)

Gene: PROM1 (prominin 1; minus strand). Cytogenetic location: 4p15.32.
Variant type: single nucleotide variant.
Coding change: c.1876A>G on transcript NM_006017.3 (MANE Select); coding-DNA position 1876, A replaced by G.
Protein change: p.Ile626Val; replaces isoleucine 626 with valine.
Molecular consequence: missense variant.
Genome position (GRCh38, 1-based): chr4:15,992,283, T>C on the plus strand (A>G on the coding strand, the complement: PROM1 is on the minus strand). VCF-style: chr4-15992283-T-C. GRCh37 (hg19) VCF-style: chr4-15993906-T-C.
Other names: c.1849A>G, p.Ile617Val (NM_001145847.2, NM_001145848.2, NM_001145851.2 and 4 more transcripts); c.1876A>G, p.Ile626Val (NM_001145849.2, NM_001145850.2); short protein forms I626V, I617V.
Identifiers: ClinVar variation 3704577 (VCV003704577.2).

ClinVar aggregate classification (germline): Uncertain significance (1 of 4 stars; one submission).

gnomAD v4.1: 1 of 1,613,978 alleles (0.000062%); highest among the groups gnomAD compares: Non-Finnish European, 0.000085%; no homozygotes.

Submission:

Labcorp Genetics (formerly Invitae), Labcorp
Classification: Uncertain significance. Last evaluated: 2024-06-24. Review status: criteria provided, single submitter. Criteria: Invitae Variant Classification Sherloc (09022015). Collection method: clinical testing. Allele origin: germline.
Comment: This sequence change replaces isoleucine, which is neutral and non-polar, with valine, which is neutral and non-polar, at codon 626 of the PROM1 protein (p.Ile626Val). This variant is not present in population databases (gnomAD no frequency). This variant has not been reported in the literature in individuals affected with PROM1-related conditions. Advanced modeling of protein sequence and biophysical properties (such as structural, functional, and spatial information, amino acid conservation, physicochemical variation, residue mobility, and thermodynamic stability) performed at Invitae indicates that this missense variant is not expected to disrupt PROM1 protein function with a negative predictive value of 80%. In summary, the available evidence is currently insufficient to determine the role of this variant in disease. Therefore, it has been classified as a Variant of Uncertain Significance.